The following is an entry in ClinVar:

NM_031407.7(HUWE1):c.2615G>A (p.Arg872Gln)

Gene: HUWE1 (HECT, UBA and WWE domain containing E3 ubiquitin protein ligase 1; minus strand). Cytogenetic location: Xp11.22.
Variant type: single nucleotide variant.
Coding change: c.2615G>A on transcript NM_031407.7 (MANE Select); coding-DNA position 2615, G replaced by A.
Protein change: p.Arg872Gln; replaces arginine 872 with glutamine.
Molecular consequence: missense variant.
Genome position (GRCh38, 1-based): chrX:53,604,716, C>T on the plus strand (G>A on the coding strand, the complement: HUWE1 is on the minus strand). VCF-style: chrX-53604716-C-T. GRCh37 (hg19) VCF-style: chrX-53631677-C-T.
Other names: short protein forms R872Q.
Identifiers: ClinVar variation 981352 (VCV000981352.3), dbSNP rs782162014, ClinGen allele CA10422701.

ClinVar aggregate classification (germline): Uncertain significance. Review status: criteria provided, multiple submitters, no conflicts (2 of 4 stars). 2 submissions from 2 submitters: Uncertain significance (2). Last evaluated 2026-06-12.

Conditions:
Intellectual disability. Also called: intellectual disabilities; Intellectual developmental disorder; Intellectual functioning disability. Identifiers: MedGen C3714756, MeSH D008607, MONDO:0001071, HP:0001249.

Allele frequency attached by ClinVar (database versions not stated): gnomAD exomes 0.00001 and below 0.00001; gnomAD 0.00001 and 0.00002; TOPMed 0.00001; ExAC 0.00001.
gnomAD v4.1: 5 of 1,210,251 alleles (0.00041%); highest among the groups gnomAD compares: East Asian, 0.003%; no homozygotes.

Submissions (2):

Women's Health and Genetics/Laboratory Corporation of America, LabCorp
Classification: Uncertain significance. Last evaluated: 2026-06-12. Review status: criteria provided, single submitter. Criteria: LabCorp Variant Classification Summary - May 2015. Collection method: clinical testing. Allele origin: germline.
Comment: Variant summary: HUWE1 c.2615G>A (p.Arg872Gln) results in a conservative amino acid change in the encoded protein sequence. Algorithms developed to predict the effect of missense changes on protein structure and function are either unavailable or do not agree on the potential impact of this missense change. The variant allele was found at a frequency of 5.5e-06 in 183127 control chromosomes. The available data on variant occurrences in the general population are insufficient to allow any conclusion about variant significance. c.2615G>A has been reported in the literature in at least one individual who has undergone whole-exome sequencing (example: Mark_2018). This report does not provide unequivocal conclusions about the association of the variant with intellectual disability, X-Linked syndromic, Turner Type. To our knowledge, no experimental evidence demonstrating an impact on protein function has been reported. The following publication has been ascertained in the context of this evaluation (PMID: 30109123). ClinVar contains an entry for this variant (Variation ID: 981352). Based on the evidence outlined above, the variant was classified as uncertain significance.

Diagnostic Laboratory, Strasbourg University Hospital
Classification: Uncertain significance for Intellectual disability. Last evaluated: 2020-09-10. Review status: criteria provided, single submitter. Criteria: ACMG Guidelines, 2015. Collection method: clinical testing. Allele origin: maternal. Affected: yes. Observed: 1 hemizygote.

Literature cited by the submitters: PubMed 30109123 (cited by Women's Health and Genetics/Laboratory Corporation of America, LabCorp).